The following is an entry in ClinVar:

NM_016169.4(SUFU):c.839G>A (p.Arg280Gln)

Gene: SUFU (SUFU negative regulator of hedgehog signaling; plus strand). Cytogenetic location: 10q24.32.
Variant type: single nucleotide variant.
Coding change: c.839G>A on transcript NM_016169.4 (MANE Select); coding-DNA position 839, G replaced by A.
Protein change: p.Arg280Gln; replaces arginine 280 with glutamine.
Molecular consequence: missense variant.
Genome position (GRCh38, 1-based): chr10:102,597,222, G>A. VCF-style: chr10-102597222-G-A. GRCh37 (hg19) VCF-style: chr10-104356979-G-A.
Other names: c.839G>A, p.Arg280Gln (NM_001178133.2); short protein forms R280Q.
Identifiers: ClinVar variation 241089 (VCV000241089.43), dbSNP rs145704867, ClinGen allele CA5667781.

ClinVar aggregate classification (germline): Conflicting classifications of pathogenicity. Review status: criteria provided, conflicting classifications (1 of 4 stars). 11 submissions from 11 submitters: Uncertain significance (8); Benign (1); Likely benign (1). 1 of the submissions does not count toward it. Last evaluated 2026-01-12.

Conditions:
Craniopharyngioma. Also called: Rathke's pouch tumor; Craniopharyngeal duct tumor; Adamantinomatous tumor; Dysodontogenic epithelial tumor. Identifiers: Orphanet 54595, MedGen C0010276, MeSH D003397, MONDO:0018907, HP:0030062.
Hereditary cancer-predisposing syndrome. Also called: Tumor predisposition; Hereditary Cancer Syndrome; Neoplastic Syndromes, Hereditary; Hereditary neoplastic syndrome. Identifiers: Orphanet 140162, MedGen C0027672, MeSH D009386, MONDO:0015356.
Medulloblastoma (MDB). Also called: MEDULLOBLASTOMA PREDISPOSITION SYNDROME; Medulloblastoma, somatic. Identifiers: Orphanet 616, MedGen C0025149, MeSH D008527, MONDO:0007959, OMIM 155255, HP:0002885.
Gorlin syndrome. Also called: Nevoid Basal Cell Carcinoma Syndrome; Basal cell nevus syndrome. Identifiers: Orphanet 377, MedGen C0004779, MONDO:0007187.
SUFU-related disorder. Also called: SUFU-related disorders; SUFU-related condition.

Allele frequency attached by ClinVar (database versions not stated): gnomAD exomes 0.00011 and 0.00025; gnomAD 0.00014 and 0.00017; TOPMed 0.00014; ExAC 0.00015; ESP Exome Variant Server 0.00038.
gnomAD v4.1: 198 of 1,613,804 alleles (0.012%); highest among the groups gnomAD compares: South Asian, 0.04%; 1 homozygote.

Submissions (11):

Labcorp Genetics (formerly Invitae), Labcorp
Classification: Likely benign for Gorlin syndrome; Medulloblastoma. Last evaluated: 2026-01-12. Review status: criteria provided, single submitter. Criteria: Invitae Variant Classification Sherloc (09022015). Collection method: clinical testing. Allele origin: germline.

Center for Genomic Medicine, Rigshospitalet, Copenhagen University Hospital
Classification: Uncertain significance. Last evaluated: 2025-12-29. Review status: criteria provided, single submitter. Criteria: ACMG Guidelines, 2015. Collection method: clinical testing. Allele origin: germline.

CeGaT Center for Human Genetics Tuebingen
Classification: Uncertain significance. Last evaluated: 2025-09-01. Review status: criteria provided, single submitter. Criteria: CeGaT Center For Human Genetics Tuebingen Variant Classification Criteria Version 2. Collection method: clinical testing. Allele origin: germline. Affected: yes. Observed: 1 variant allele.
Comment: SUFU: PP2

Ambry Genetics
Classification: Benign for Hereditary cancer-predisposing syndrome. Last evaluated: 2024-12-05. Review status: criteria provided, single submitter. Criteria: Ambry Variant Classification Scheme 2023. Collection method: clinical testing. Allele origin: germline.

GeneDx
Classification: Uncertain significance. Last evaluated: 2023-12-28. Review status: criteria provided, single submitter. Criteria: GeneDx Variant Classification Process June 2021. Collection method: clinical testing. Allele origin: germline. Affected: yes.
Comment: In silico analysis supports that this missense variant does not alter protein structure/function; Observed in an individual with epilepsy (PMID: 35231114); This variant is associated with the following publications: (PMID: 29641532, 35231114, 24311597, 37096131)

Sema4
Classification: Uncertain significance for Hereditary cancer-predisposing syndrome. Last evaluated: 2022-01-01. Review status: criteria provided, single submitter. Criteria: Sema4 Curation Guidelines. Collection method: curation. Allele origin: germline.
Comment: The SUFU c.839G>A (p.R280Q) variant has not been reported in the literature to our knowledge. It was observed in 39/10370 chromosomes in the Ashkenazi Jewish subpopulation, including 0 homozygotes, in the large and broad cohorts of the Genome Aggregation Database (PMID: 32461654). The variant has been reported in ClinVar (Variation ID: 241089). In silico tools suggest the impact of the variant on protein function is benign, though these predictions have not been confirmed by functional studies. The evidence is insufficient to meet ACMG/AMP criteria for classifying the variant as benign or pathogenic. Thus, the clinical significance of this variant is currently uncertain.

Institute for Clinical Genetics, University Hospital TU Dresden, University Hospital TU Dresden
Classification: Uncertain significance. Last evaluated: 2021-11-03. Review status: criteria provided, single submitter. Criteria: ACMG Guidelines, 2015. Collection method: clinical testing. Allele origin: germline.

Illumina Laboratory Services, Illumina
Classification: Uncertain significance for Medulloblastoma. Last evaluated: 2018-01-12. Review status: criteria provided, single submitter. Criteria: ICSL Variant Classification Criteria 13 December 2019. Collection method: clinical testing. Allele origin: germline.

St. Jude Molecular Pathology, St. Jude Children's Research Hospital
Classification: Uncertain significance for Craniopharyngioma. Last evaluated: 2017-04-12. Review status: criteria provided, single submitter. Criteria: ACMG Guidelines, 2015. Collection method: clinical testing. Allele origin: germline. Affected: yes.

ARUP Laboratories, Molecular Genetics and Genomics, ARUP Laboratories
Classification: Uncertain significance. Last evaluated: 2016-11-02. Review status: criteria provided, single submitter. Criteria: ARUP Molecular Germline Variant Investigation Process. Collection method: clinical testing. Allele origin: germline.

PreventionGenetics, part of Exact Sciences
Classification: Likely benign for SUFU-related condition. Last evaluated: 2020-05-21. Review status: no assertion criteria provided. Collection method: clinical testing. Allele origin: germline. Not counted in ClinVar's aggregate classification.
Comment: This variant is classified as likely benign based on ACMG/AMP sequence variant interpretation guidelines (Richards et al. 2015 PMID: 25741868, with internal and published modifications).

Literature cited by the submitters: PubMed 29641532 (cited by Ambry Genetics).